The following is an entry in ClinVar:

NM_002474.3(MYH11):c.5517G>C (p.Ala1839=)

Genes: NDE1 (nudE neurodevelopment protein 1; plus strand), MYH11 (myosin heavy chain 11; minus strand). Cytogenetic location: 16p13.11.
Variant type: single nucleotide variant.
Coding change: c.5517G>C on transcript NM_002474.3 (MANE Select); coding-DNA position 5517, G replaced by C.
Protein change: p.Ala1839=; no amino-acid change (alanine 1839 retained).
Molecular consequence: synonymous variant. On other transcripts: intron variant (2).
Genome position (GRCh38, 1-based): chr16:15,715,260, C>G on the plus strand (G>C on the coding strand, the complement: MYH11 is on the minus strand). VCF-style: chr16-15715260-C-G. GRCh37 (hg19) VCF-style: chr16-15809117-C-G.
Other names: c.5538G>C, p.Ala1846= (NM_001040113.2, NM_001040114.2); c.5517G>C, p.Ala1839= (NM_022844.3); c.948-8931C>G (NM_001143979.2, NM_017668.3); c.5517G>C (NM_002474.2).
Identifiers: ClinVar variation 756858 (VCV000756858.12), dbSNP rs28505375, ClinGen allele CA7921219.

ClinVar aggregate classification (germline): Likely benign. Review status: criteria provided, multiple submitters, no conflicts (2 of 4 stars). 3 submissions from 3 submitters: Likely benign (3). Last evaluated 2025-05-10.

Conditions:
Familial thoracic aortic aneurysm and aortic dissection (TAAD). Also called: Thoracic aortic aneurysms and dissections. Identifiers: Orphanet 91387, MedGen C4707243, MONDO:0019625.
Aortic aneurysm, familial thoracic 4 (AAT4). Also called: AORTIC ANEURYSM/AORTIC DISSECTION AND PATENT DUCTUS ARTERIOSUS. Identifiers: MedGen C1851504, MONDO:0007568, OMIM 132900.

gnomAD v4.1: 7 of 1,613,896 alleles (0.00043%); highest among the groups gnomAD compares: Middle Eastern, 0.017%; no homozygotes.

Submissions (3):

Ambry Genetics
Classification: Likely benign for Familial thoracic aortic aneurysm and aortic dissection. Last evaluated: 2025-05-10. Review status: criteria provided, single submitter. Criteria: Ambry Variant Classification Scheme 2023. Collection method: clinical testing. Allele origin: germline.

All of Us Research Program, National Institutes of Health
Classification: Likely benign for Familial thoracic aortic aneurysm and aortic dissection. Last evaluated: 2024-07-20. Review status: criteria provided, single submitter. Criteria: ACMG Guidelines, 2015. Collection method: clinical testing. Allele origin: germline. Inheritance: Autosomal dominant inheritance. Observed: 1 variant allele, 1 heterozygote.
Comment: This study involves interpretation of variants in research participants for the purpose of population health screening. Participant phenotype was not available at the time of variant classification. Additional details can be found in publication PMID: 35346344, PMCID: PMC8962531

Labcorp Genetics (formerly Invitae), Labcorp
Classification: Likely benign for Aortic aneurysm, familial thoracic 4. Last evaluated: 2023-02-09. Review status: criteria provided, single submitter. Criteria: Invitae Variant Classification Sherloc (09022015). Collection method: clinical testing. Allele origin: germline.